The following is an entry in ClinVar:

ClinVar aggregate classification (germline): Uncertain significance (1 of 4 stars; one submission).

Conditions:
WDPCP-related disorder. Also called: WDPCP-related condition.

gnomAD v4.1: 2 of 1,613,992 alleles (0.00012%); highest among the groups gnomAD compares: Non-Finnish European, 0.000085%; no homozygotes.

Submission:

PreventionGenetics, part of Exact Sciences
Classification: Uncertain significance for WDPCP-related condition. Last evaluated: 2025-10-24. Review status: criteria provided, single submitter. Criteria: ACMG Guidelines, 2015. Collection method: clinical testing. Allele origin: germline.
Comment: The WDPCP c.2048A>G variant is predicted to result in the amino acid substitution p.Gln683Arg. To our knowledge, this variant has not been reported in the literature. This variant is reported in 0.00088% of alleles in individuals of European (Non-Finnish) descent in gnomAD. At this time, the clinical significance of this variant is uncertain due to the absence of conclusive functional and genetic evidence.

NM_015910.7(WDPCP):c.2048A>G (p.Gln683Arg)

Gene: WDPCP (WD repeat containing planar cell polarity effector; minus strand). Cytogenetic location: 2p15.
Variant type: single nucleotide variant.
Coding change: c.2048A>G on transcript NM_015910.7 (MANE Select); coding-DNA position 2048, A replaced by G.
Protein change: p.Gln683Arg; replaces glutamine 683 with arginine.
Molecular consequence: missense variant. On other transcripts: non-coding transcript variant (3).
Genome position (GRCh38, 1-based): chr2:63,174,700, T>C on the plus strand (A>G on the coding strand, the complement: WDPCP is on the minus strand). VCF-style: chr2-63174700-T-C. GRCh37 (hg19) VCF-style: chr2-63401835-T-C.
Other names: c.1571A>G, p.Gln524Arg (NM_001042692.3); c.1976A>G, p.Gln659Arg (NM_001354044.2); short protein forms Q659R, Q524R, Q683R.
Identifiers: ClinVar variation 4993008 (VCV004993008.1).
Genomic context (GRCh38, chr2:63,174,700, plus strand): 5'-GAGCAATTTCCTCAGTTCAACATTTCTTACCTGTTAGAAGAGCCATTCAGTATTCTTTGT[T>C]GTAAAATATGTCTGTGGGTTGGGCAAGAGGGAGGGAGGTTATCTGGAAATGAGTCTTCTC-3'
Protein context (NP_056994.3, residues 673-693): PSCPTHRHIL[Gln683Arg]QRILNGSSNR